The following is an entry in ClinVar:

NM_000548.5(TSC2):c.3284+3G>T

Gene: TSC2 (TSC complex subunit 2; plus strand). Cytogenetic location: 16p13.3.
Variant type: single nucleotide variant.
Coding change: c.3284+3G>T on transcript NM_000548.5 (MANE Select); 3 bases into the intron after coding-DNA position 3284, G replaced by T.
Molecular consequence: intron variant.
Genome position (GRCh38, 1-based): chr16:2,079,431, G>T. VCF-style: chr16-2079431-G-T. GRCh37 (hg19) VCF-style: chr16-2129432-G-T.
Other names: c.3284+3G>T (NM_001114382.3); c.3155+3G>T (NM_021055.3, NM_001370405.1, NM_001363528.2); c.3152+3G>T (NM_001370404.1, NM_001077183.3); c.3044+3G>T (NM_001318827.2); c.2552+3G>T (NM_001318831.2); c.3008+3G>T (NM_001318829.2); c.3185+3G>T (NM_001318832.2).
Identifiers: ClinVar variation 2031584 (VCV002031584.4), dbSNP rs2089847916, ClinGen allele CA2580090949.
Genomic context (GRCh38, chr16:2,079,431, plus strand): 5'-GGACCCGGTCGTTACTAGGCCTGGACTCGGGGGAGCTGCAGTCCGGCCCGGAGTCGAGGT[G>T]ACTGCACCTTCCTTTCCTCCGCGCCTGCCAGCCTCGACACCGGCTGTCCCGAGCCCAGGC-3'

ClinVar aggregate classification (germline): Uncertain significance (1 of 4 stars; one submission).

Conditions:
Tuberous sclerosis 2 (TSC2). Identifiers: Orphanet 805, MedGen C1860707, MONDO:0013199, OMIM 613254.

Submission:

Labcorp Genetics (formerly Invitae), Labcorp
Classification: Uncertain significance for Tuberous sclerosis 2. Last evaluated: 2022-09-21. Review status: criteria provided, single submitter. Criteria: Invitae Variant Classification Sherloc (09022015). Collection method: clinical testing. Allele origin: germline.
Comment: This variant has not been reported in the literature in individuals affected with TSC2-related conditions. This variant is not present in population databases (gnomAD no frequency). This sequence change falls in intron 28 of the TSC2 gene. It does not directly change the encoded amino acid sequence of the TSC2 protein. It affects a nucleotide within the consensus splice site. In summary, the available evidence is currently insufficient to determine the role of this variant in disease. Therefore, it has been classified as a Variant of Uncertain Significance. Variants that disrupt the consensus splice site are a relatively common cause of aberrant splicing (PMID: 17576681, 9536098). Algorithms developed to predict the effect of sequence changes on RNA splicing suggest that this variant may disrupt the consensus splice site.

Literature cited by the submitters: PubMed 17576681; PubMed 9536098.